The following is an entry in ClinVar:

NM_000552.5(VWF):c.3024C>T (p.Thr1008=)

Gene: VWF (von Willebrand factor; minus strand). Cytogenetic location: 12p13.31.
Variant type: single nucleotide variant.
Coding change: c.3024C>T on transcript NM_000552.5 (MANE Select); coding-DNA position 3024, C replaced by T.
Protein change: p.Thr1008=; no amino-acid change (threonine 1008 retained).
Molecular consequence: synonymous variant.
Genome position (GRCh38, 1-based): chr12:6,025,990, G>A on the plus strand (C>T on the coding strand, the complement: VWF is on the minus strand). VCF-style: chr12-6025990-G-A. GRCh37 (hg19) VCF-style: chr12-6135156-G-A.
Other names: p.Thr1008=.
Identifiers: ClinVar variation 2581488 (VCV002581488.2), dbSNP rs755254180, ClinGen allele CA6402869.
Genomic context (GRCh38, chr12:6,025,990, plus strand): 5'-GCTCACTTTCCAGGAGTTCCCAAAGTCCACAGGGTCTTCCTCCACTTGGAGGTTGCTGCT[G>A]GTGAGGTCATTGTTCTGGATGCCATCAAAATTCCCACACAGGCCACACACTTTCTCCTTG-3'
Protein context (NP_000543.3, residues 998-1018): NFDGIQNNDL[Thr1008=]SSNLQVEEDP

ClinVar aggregate classification (germline): Likely benign. Review status: criteria provided, multiple submitters, no conflicts (2 of 4 stars). 2 submissions from 2 submitters: Likely benign (2). Last evaluated 2024-12-04.

Allele frequency attached by ClinVar (database versions not stated): gnomAD exomes below 0.00001; gnomAD 0.00005; ExAC 0.00002; TOPMed 0.00005.
gnomAD v4.1: 14 of 1,613,828 alleles (0.00087%); highest among the groups gnomAD compares: African/African-American, 0.016%; no homozygotes.

Submissions (2):

Mayo Clinic Laboratories, Mayo Clinic
Classification: Likely benign. Last evaluated: 2024-12-04. Review status: criteria provided, single submitter. Criteria: ACMG Guidelines, 2015. Collection method: clinical testing. Allele origin: germline. Observed: 1 variant allele.
Comment: BP4, BP7, PM2_supporting

Women's Health and Genetics/Laboratory Corporation of America, LabCorp
Classification: Likely benign. Last evaluated: 2023-08-04. Review status: criteria provided, single submitter. Criteria: LabCorp Variant Classification Summary - May 2015. Collection method: clinical testing. Allele origin: germline.